The following is an entry in ClinVar:

ClinVar aggregate classification (germline): Uncertain significance (1 of 4 stars; one submission).

Conditions:
Hereditary factor XI deficiency disease. Also called: PLASMA THROMBOPLASTIN ANTECEDENT DEFICIENCY; PTA DEFICIENCY; ROSENTHAL SYNDROME; Congenital factor XI deficiency. Identifiers: Orphanet 329, MedGen C0015523, MeSH D005173, MONDO:0012897, OMIM 612416.

gnomAD v4.1: 3 of 1,614,058 alleles (0.00019%); highest among the groups gnomAD compares: Admixed American, 0.0017%; no homozygotes.

Submission:

Dasa
Classification: Uncertain significance for congenital factor XI deficiency. Last evaluated: 2025-09-24. Review status: criteria provided, single submitter. Criteria: DASA Assertion Criteria. Collection method: clinical testing. Allele origin: germline.
Comment: NM_000128.4(F11):c.596-10C>A is a splice-region variant. This variant is rare in population databases. Computational prediction algorithms are consistent with a deleterious effect. The currently available literature and clinical evidence are not sufficient to establish a definitive association between this variant and the reported condition. Therefore, this variant is classified as a variant of uncertain significance.

NM_000128.4(F11):c.596-10C>A

Gene: F11 (coagulation factor XI; plus strand). Cytogenetic location: 4q35.2.
Variant type: single nucleotide variant.
Coding change: c.596-10C>A on transcript NM_000128.4 (MANE Select); 10 bases into the intron before coding-DNA position 596, C replaced by A.
Molecular consequence: intron variant.
Genome position (GRCh38, 1-based): chr4:186,276,221, C>A. VCF-style: chr4-186276221-C-A. GRCh37 (hg19) VCF-style: chr4-187197375-C-A.
Other names: c.596-10C>A (NM_001440593.1, NM_001440590.1, NM_001440596.1); c.485+1946C>A (NM_001440605.1, NM_001440607.1, NM_001440606.1 and 1 more transcripts).
Identifiers: ClinVar variation 4881002 (VCV004881002.2).